The following is an entry in ClinVar:

NM_001482.3(GATM):c.239T>C (p.Val80Ala)

Gene: GATM (glycine amidinotransferase; minus strand). Cytogenetic location: 15q21.1.
Variant type: single nucleotide variant.
Coding change: c.239T>C on transcript NM_001482.3 (MANE Select); coding-DNA position 239, T replaced by C.
Protein change: p.Val80Ala; replaces valine 80 with alanine.
Molecular consequence: missense variant. On other transcripts: 5 prime UTR variant (1).
Genome position (GRCh38, 1-based): chr15:45,376,650, A>G on the plus strand (T>C on the coding strand, the complement: GATM is on the minus strand). VCF-style: chr15-45376650-A-G. GRCh37 (hg19) VCF-style: chr15-45668848-A-G.
Other names: c.-149T>C (NM_001321015.2); short protein forms V80A.
Identifiers: ClinVar variation 3712152 (VCV003712152.2).

ClinVar aggregate classification (germline): Uncertain significance (1 of 4 stars; one submission).

Conditions:
Arginine:glycine amidinotransferase deficiency (CCDS3). Also called: AGAT deficiency; L-Arginine:Glycine Amidinotransferase Deficiency; Creatine deficiency syndrome due to AGAT deficiency; GATM deficiency; L-Arginine:Glycine Amidinotransferase (AGAT) Deficiency; Cerebral creatine deficiency syndrome 3. Identifiers: Orphanet 35704, MedGen C2675179, MONDO:0012996, OMIM 612718.

gnomAD v4.1: 2 of 1,614,002 alleles (0.00012%); highest among the groups gnomAD compares: African/African-American, 0.0013%; no homozygotes.

Submission:

Labcorp Genetics (formerly Invitae), Labcorp
Classification: Uncertain significance for Arginine:glycine amidinotransferase deficiency. Last evaluated: 2024-09-27. Review status: criteria provided, single submitter. Criteria: Invitae Variant Classification Sherloc (09022015). Collection method: clinical testing. Allele origin: germline.
Comment: This sequence change replaces valine, which is neutral and non-polar, with alanine, which is neutral and non-polar, at codon 80 of the GATM protein (p.Val80Ala). This variant is present in population databases (rs770990709, gnomAD 0.007%). This variant has not been reported in the literature in individuals affected with GATM-related conditions. Invitae Evidence Modeling of protein sequence and biophysical properties (such as structural, functional, and spatial information, amino acid conservation, physicochemical variation, residue mobility, and thermodynamic stability) indicates that this missense variant is expected to disrupt GATM protein function with a positive predictive value of 80%. In summary, the available evidence is currently insufficient to determine the role of this variant in disease. Therefore, it has been classified as a Variant of Uncertain Significance.